The following is an entry in ClinVar:

ClinVar aggregate classification (germline): Benign. Review status: criteria provided, multiple submitters, no conflicts (2 of 4 stars). 6 submissions from 3 submitters: Benign (6). Last evaluated 2021-05-14.

Conditions:
Multiple endocrine neoplasia. Identifiers: Orphanet 276161, MedGen C0027662, MONDO:0017169.
Renal hypodysplasia/aplasia 1 (RHDA1). Also called: RENAL APLASIA; HEREDITARY RENAL APLASIA. Identifiers: Orphanet 411709, MedGen C1619700, MONDO:0024519, OMIM 191830.
Hirschsprung disease, susceptibility to, 1 (HSCR1). Also called: RET-Related Hirschsprung Disease. Identifiers: Orphanet 388, MedGen C3888239, MONDO:0007723, OMIM 142623.
Pheochromocytoma. Also called: MAX-Related Hereditary Paraganglioma-Pheochromocytoma Syndrome. Identifiers: Orphanet 29072, MedGen C0031511, MONDO:0008233, OMIM 171300, HP:0002666.

Allele frequency attached by ClinVar (database versions not stated): 1000 Genomes Project 0.18990; 1000 Genomes Project 30x 0.19191; TOPMed 0.21105; gnomAD 0.21982 and 0.22170; gnomAD exomes 0.22415.

Submissions (6):

GeneDx
Classification: Benign. Last evaluated: 2021-05-14. Review status: criteria provided, single submitter. Criteria: GeneDx Variant Classification Process June 2021. Collection method: clinical testing. Allele origin: germline. Affected: yes.

Illumina Laboratory Services, Illumina
Classification: Benign for Multiple endocrine neoplasia. Last evaluated: 2018-01-13. Review status: criteria provided, single submitter. Criteria: ICSL Variant Classification Criteria 13 December 2019. Collection method: clinical testing. Allele origin: germline.
Comment: This variant was observed in the ICSL laboratory as part of a predisposition screen in an ostensibly healthy population. It had not been previously curated by ICSL or reported in the Human Gene Mutation Database (HGMD: prior to June 1st, 2018), and was therefore a candidate for classification through an automated scoring system. Utilizing variant allele frequency, disease prevalence and penetrance estimates, and inheritance mode, an automated score was calculated to assess if this variant is too frequent to cause the disease. Based on the score and internal cut-off values, a variant classified as benign is not then subjected to further curation. The score for this variant resulted in a classification of benign for this disease.

Illumina Laboratory Services, Illumina
Classification: Benign for Pheochromocytoma. Last evaluated: 2018-01-13. Review status: criteria provided, single submitter. Criteria: ICSL Variant Classification Criteria 13 December 2019. Collection method: clinical testing. Allele origin: germline.
Comment: the same text as in the submission from Illumina Laboratory Services, Illumina above.

Illumina Laboratory Services, Illumina
Classification: Benign for Renal hypodysplasia/aplasia 1. Last evaluated: 2018-01-13. Review status: criteria provided, single submitter. Criteria: ICSL Variant Classification Criteria 13 December 2019. Collection method: clinical testing. Allele origin: germline.
Comment: the same text as in the submission from Illumina Laboratory Services, Illumina above.

Illumina Laboratory Services, Illumina
Classification: Benign for Hirschsprung disease, susceptibility to, 1. Last evaluated: 2018-01-13. Review status: criteria provided, single submitter. Criteria: ICSL Variant Classification Criteria 13 December 2019. Collection method: clinical testing. Allele origin: germline.
Comment: the same text as in the submission from Illumina Laboratory Services, Illumina above.

Breakthrough Genomics
Classification: Benign. Review status: criteria provided, single submitter. Criteria: ACMG Guidelines, 2015. Collection method: not provided. Allele origin: germline. Inheritance: Autosomal dominant inheritance. Affected: yes.

NM_020975.6(RET):c.*1116T>C

Gene: RET (ret proto-oncogene; plus strand). Cytogenetic location: 10q11.21.
Variant type: single nucleotide variant.
Coding change: c.*1116T>C on transcript NM_020975.6 (MANE Select); 1116 bases downstream of the stop codon, T replaced by C.
Molecular consequence: 3 prime UTR variant.
Genome position (GRCh38, 1-based): chr10:43,129,385, T>C. VCF-style: chr10-43129385-T-C. GRCh37 (hg19) VCF-style: chr10-43624833-T-C.
Other names: c.*1116T>C (LRG_518t1).
Identifiers: ClinVar variation 299925 (VCV000299925.9), dbSNP rs2435355, ClinGen allele CA10635748.